The following is an entry in ClinVar:

ClinVar aggregate classification (germline): Likely pathogenic (1 of 4 stars; one submission).

Submission:

Dasa
Classification: Likely pathogenic. Last evaluated: 2025-11-21. Review status: criteria provided, single submitter. Criteria: DASA Assertion Criteria. Collection method: clinical testing. Allele origin: germline.
Comment: NM_016360.4(TACO1):c.367G>T (p.Glu123*) is a nonsense variant in TACO1 predicted to introduce a premature termination codon and is predicted to result in an absent or altered protein product. Loss of function is an established disease mechanism for TACO1-associated disorders. Also, this variant is absent from population databases. Based on the currently available evidence, this variant is classified as likely pathogenic.

NM_016360.4(TACO1):c.367G>T (p.Glu123Ter)

Gene: TACO1 (translational activator of cytochrome c oxidase I; plus strand). Cytogenetic location: 17q23.3.
Variant type: single nucleotide variant.
Coding change: c.367G>T on transcript NM_016360.4 (MANE Select); coding-DNA position 367, G replaced by T.
Protein change: p.Glu123Ter; replaces glutamic acid 123 with a stop codon.
Molecular consequence: nonsense.
Genome position (GRCh38, 1-based): chr17:63,604,620, G>T. VCF-style: chr17-63604620-G-T. GRCh37 (hg19) VCF-style: chr17-61681980-G-T.
Other names: short protein forms E123*.
Identifiers: ClinVar variation 4886395 (VCV004886395.2).
Genomic context (GRCh38, chr17:63,604,620, plus strand): 5'-AGCAACCTGGCCAATATCTTAGAGGTGTGTCGCAGCAAACATATGCCCAAGTCAACGATT[G>T]AGACAGCACTGAAAATGGAGGTGTGTACTGTTTGACATGCTTTTTATTGATCACAGCCTC-3'